The following is an entry in ClinVar:

ClinVar aggregate classification (germline): Pathogenic. Review status: criteria provided, multiple submitters, no conflicts (2 of 4 stars). 2 submissions from 2 submitters: Pathogenic (2). Last evaluated 2025-04-02.

Conditions:
Primary ciliary dyskinesia 19. Also called: CILIARY DYSKINESIA, PRIMARY, 19, WITH OR WITHOUT SITUS INVERSUS. Identifiers: Orphanet 244, MedGen C3543826, MONDO:0013979, OMIM 614935.
Primary ciliary dyskinesia. Also called: Ciliary dyskinesia. Identifiers: Orphanet 244, MedGen C0008780, MONDO:0016575, HP:0012265.

Submissions (2):

Labcorp Genetics (formerly Invitae), Labcorp
Classification: Pathogenic for Primary ciliary dyskinesia 19. Last evaluated: 2025-04-02. Review status: criteria provided, single submitter. Criteria: Invitae Variant Classification Sherloc (09022015). Collection method: clinical testing. Allele origin: germline.
Comment: This sequence change creates a premature translational stop signal (p.Asp312Glufs*13) in the LRRC6 gene. It is expected to result in an absent or disrupted protein product. Loss-of-function variants in LRRC6 are known to be pathogenic (PMID: 23122589). This variant is not present in population databases (gnomAD no frequency). This premature translational stop signal has been observed in individual(s) with primary ciliary dyskinesia (internal data). ClinVar contains an entry for this variant (Variation ID: 654068). For these reasons, this variant has been classified as Pathogenic.

Ambry Genetics
Classification: Pathogenic for Primary ciliary dyskinesia. Last evaluated: 2020-08-10. Review status: criteria provided, single submitter. Criteria: Ambry Variant Classification Scheme 2023. Collection method: clinical testing. Allele origin: germline.
Comment: The c.936_937delTA variant, located in coding exon 8 of the LRRC6 gene, results from a deletion of two nucleotides at nucleotide positions 936 to 937, causing a translational frameshift with a predicted alternate stop codon (p.D312Efs*13). This alteration is expected to result in loss of function by premature protein truncation or nonsense-mediated mRNA decay. As such, this alteration is interpreted as a disease-causing mutation.

Literature cited by the submitters: PubMed 23122589 (cited by Labcorp Genetics (formerly Invitae), Labcorp).

NM_012472.6(DNAAF11):c.936_937del (p.Asp312fs)

Gene: DNAAF11 (dynein axonemal assembly factor 11; minus strand). Cytogenetic location: 8q24.22.
Variant type: Deletion.
Coding change: c.936_937del on transcript NM_012472.6 (MANE Select); coding-DNA positions 936 to 937, 2 bases deleted (TA; older notation c.936_937delTA).
Protein change: p.Asp312fs; shifts the reading frame from aspartic acid 312.
Molecular consequence: frameshift variant. On other transcripts: non-coding transcript variant (9), intron variant (2).
Genome position (GRCh38, 1-based): chr8:132,615,075-132,615,076, TA deleted on the plus strand (TA on the coding strand, the reverse complement: DNAAF11 is on the minus strand); deleting any 2 consecutive bases within chr8:132,615,075-132,615,077 gives the same sequence; the c. name uses the placement nearest the transcript's 3' end. VCF-style (leftmost placement, unchanged base first): chr8-132615074-TTA-T. GRCh37 (hg19) VCF-style: chr8-133627320-TTA-T.
Other names: c.690_691del, p.Asp230fs (NM_001321962.2); c.576_577del, p.Asp192fs (NM_001321963.2, NM_001321964.2, NM_001321965.2); c.915-3713_915-3712del (NM_001321961.2); c.555-3713_555-3712del (NM_001321966.2); short protein forms D312fs, D230fs, D192fs.
Identifiers: ClinVar variation 654068 (VCV000654068.11), dbSNP rs1586586381, ClinGen allele CA915948717.